The following is an entry in ClinVar:

ClinVar aggregate classification (germline): Conflicting classifications of pathogenicity. Review status: criteria provided, conflicting classifications (1 of 4 stars). 4 submissions from 4 submitters: Uncertain significance (1); Benign (2); Likely benign (1). Last evaluated 2026-01-28.

Conditions:
Autosomal recessive nonsyndromic hearing loss 3. Also called: NEUROSENSORY NONSYNDROMIC RECESSIVE DEAFNESS 3. Identifiers: Orphanet 90636, MedGen C1838263, MONDO:0010860, OMIM 600316.

Allele frequency attached by ClinVar (database versions not stated): ESP Exome Variant Server 0.00025; gnomAD 0.00036 and 0.00080; TOPMed 0.00051; gnomAD exomes 0.00137 and 0.00332; 1000 Genomes Project 30x 0.00390; 1000 Genomes Project 0.00439; ExAC 0.00926.
gnomAD v4.1: 2,067 of 1,552,474 alleles (0.13%); highest among the groups gnomAD compares: South Asian, 1.8%; 31 homozygotes.

Submissions (4):

Labcorp Genetics (formerly Invitae), Labcorp
Classification: Benign. Last evaluated: 2026-01-28. Review status: criteria provided, single submitter. Criteria: Invitae Variant Classification Sherloc (09022015). Collection method: clinical testing. Allele origin: germline.

GeneDx
Classification: Likely benign. Last evaluated: 2020-11-02. Review status: criteria provided, single submitter. Criteria: GeneDx Variant Classification Process June 2021. Collection method: clinical testing. Allele origin: germline. Affected: yes.

Illumina Laboratory Services, Illumina
Classification: Uncertain significance for Autosomal recessive nonsyndromic hearing loss 3. Last evaluated: 2018-01-13. Review status: criteria provided, single submitter. Criteria: ICSL Variant Classification Criteria 13 December 2019. Collection method: clinical testing. Allele origin: germline.

Laboratory for Molecular Medicine, Mass General Brigham Personalized Medicine
Classification: Benign. Last evaluated: 2015-03-02. Review status: criteria provided, single submitter. Criteria: LMM Criteria. Collection method: clinical testing. Allele origin: germline. Observed: 4 variant alleles.
Comment: p.Ala2248Val in exon 32 of MYO15A: This variant is not expected to have clinical significance because it has been identified in 2.2% (171/7918) of South Asian c hromosomes by the Exome Aggregation Consortium (ExAC .org; dbSNP rs199831544).

NM_016239.4(MYO15A):c.6743C>T (p.Ala2248Val)

Gene: MYO15A (myosin XVA; plus strand). Cytogenetic location: 17p11.2.
Variant type: single nucleotide variant.
Coding change: c.6743C>T on transcript NM_016239.4 (MANE Select); coding-DNA position 6743, C replaced by T.
Protein change: p.Ala2248Val; replaces alanine 2248 with valine.
Molecular consequence: missense variant.
Genome position (GRCh38, 1-based): chr17:18,148,547, C>T. VCF-style: chr17-18148547-C-T. GRCh37 (hg19) VCF-style: chr17-18051861-C-T.
Other names: short protein forms A2248V.
Identifiers: ClinVar variation 45755 (VCV000045755.19), dbSNP rs199831544, ClinGen allele CA137002.